The following is an entry in ClinVar:

ClinVar aggregate classification (germline): Uncertain significance (1 of 4 stars; one submission).

Conditions:
Joubert syndrome. Also called: JOUBERT-BOLTSHAUSER SYNDROME; Familial aplasia of the vermis. Identifiers: Orphanet 475, MedGen C5979921, MONDO:0018772.
Meckel-Gruber syndrome. Also called: Dysencephalia splachnocystica; DYSENCEPHALIA SPLANCHNOCYSTICA; GRUBER SYNDROME. Identifiers: Orphanet 564, MedGen C0265215, MONDO:0018921.

Allele frequency attached by ClinVar (database versions not stated): gnomAD 0.00001; TOPMed 0.00001; gnomAD exomes 0.00003.
gnomAD v4.1: 38 of 1,607,376 alleles (0.0024%); highest among the groups gnomAD compares: Non-Finnish European, 0.0031%; no homozygotes.

Submission:

Labcorp Genetics (formerly Invitae), Labcorp
Classification: Uncertain significance for Joubert syndrome; Meckel-Gruber syndrome. Last evaluated: 2023-12-04. Review status: criteria provided, single submitter. Criteria: Invitae Variant Classification Sherloc (09022015). Collection method: clinical testing. Allele origin: germline.
Comment: This sequence change replaces arginine, which is basic and polar, with lysine, which is basic and polar, at codon 92 of the CC2D2A protein (p.Arg92Lys). This variant is not present in population databases (gnomAD no frequency). This variant has not been reported in the literature in individuals affected with CC2D2A-related conditions. ClinVar contains an entry for this variant (Variation ID: 969926). Advanced modeling of protein sequence and biophysical properties (such as structural, functional, and spatial information, amino acid conservation, physicochemical variation, residue mobility, and thermodynamic stability) performed at Invitae indicates that this missense variant is not expected to disrupt CC2D2A protein function with a negative predictive value of 95%. In summary, the available evidence is currently insufficient to determine the role of this variant in disease. Therefore, it has been classified as a Variant of Uncertain Significance.

NM_001378615.1(CC2D2A):c.275G>A (p.Arg92Lys)

Genes: CC2D2A (coiled-coil and C2 domain containing 2A; plus strand), FBXL5 (F-box and leucine rich repeat protein 5; minus strand). Cytogenetic location: 4p15.32.
Variant type: single nucleotide variant.
Coding change: c.275G>A on transcript NM_001378615.1 (MANE Select); coding-DNA position 275, G replaced by A.
Protein change: p.Arg92Lys; replaces arginine 92 with lysine.
Molecular consequence: missense variant.
Genome position (GRCh38, 1-based): chr4:15,502,456, G>A. VCF-style: chr4-15502456-G-A. GRCh37 (hg19) VCF-style: chr4-15504079-G-A.
Other names: c.275G>A, p.Arg92Lys (NM_001080522.2); c.128G>A, p.Arg43Lys (NM_001378617.1); short protein forms R92K, R43K.
Identifiers: ClinVar variation 969926 (VCV000969926.8), dbSNP rs1342506197, ClinGen allele CA356408094.
Genomic context (GRCh38, chr4:15,502,456, plus strand): 5'-TTATTTTGTTTTGTTTTTGTTTTTGTTTTTTAGGCTTACCTCCAATTCCTTCAACTTCCA[G>A]AACAGGCTTTGCAGAATTTTCCATGAGGGGACGCATGAGGGAGAAATTGCAAGCAGCGAG-3'
Protein context (NP_001365544.1, residues 82-102): RSLPPIPSTS[Arg92Lys]TGFAEFSMRG